The following is an entry in ClinVar:

NM_000883.4(IMPDH1):c.218G>A (p.Gly73Asp)

Gene: IMPDH1 (inosine monophosphate dehydrogenase 1; minus strand). Cytogenetic location: 7q32.1.
Variant type: single nucleotide variant.
Coding change: c.218G>A on transcript NM_000883.4 (MANE Select); coding-DNA position 218, G replaced by A.
Protein change: p.Gly73Asp; replaces glycine 73 with aspartic acid.
Molecular consequence: missense variant. On other transcripts: intron variant (2).
Genome position (GRCh38, 1-based): chr7:128,409,325, C>T on the plus strand (G>A on the coding strand, the complement: IMPDH1 is on the minus strand). VCF-style: chr7-128409325-C-T. GRCh37 (hg19) VCF-style: chr7-128049379-C-T.
Other names: c.218G>A (NM_000883.3); c.188G>A, p.Gly63Asp (NM_001102605.2); c.218G>A, p.Gly73Asp (NM_001142576.2); c.146+431G>A (NM_001304521.2, NM_183243.3); short protein forms G63D, G73D.
Identifiers: ClinVar variation 1147181 (VCV001147181.13), dbSNP rs139979391, ClinGen allele CA4471235.

ClinVar aggregate classification (germline): Conflicting classifications of pathogenicity. Review status: criteria provided, conflicting classifications (1 of 4 stars). 5 submissions from 5 submitters: Uncertain significance (1); Likely benign (4). Last evaluated 2025-10-21.

Conditions:
IMPDH1-related disorder. Also called: IMPDH1-related disorders; IMPDH1-related condition.
Retinitis pigmentosa 10 (RP10). Identifiers: Orphanet 791, MedGen C1867299, MONDO:0008379, OMIM 180105.
Leber congenital amaurosis 11 (LCA11). Identifiers: Orphanet 65, MedGen C1840284, MONDO:0013454, OMIM 613837.

Allele frequency attached by ClinVar (database versions not stated): gnomAD exomes 0.00009; ExAC 0.00010; gnomAD 0.00031; ESP Exome Variant Server 0.00038; TOPMed 0.00038; 1000 Genomes Project 0.00040; 1000 Genomes Project 30x 0.00047.
gnomAD v4.1: 114 of 1,614,180 alleles (0.0071%); highest among the groups gnomAD compares: African/African-American, 0.096%; no homozygotes.

Submissions (5):

Labcorp Genetics (formerly Invitae), Labcorp
Classification: Likely benign. Last evaluated: 2025-10-21. Review status: criteria provided, single submitter. Criteria: Invitae Variant Classification Sherloc (09022015). Collection method: clinical testing. Allele origin: germline.

PreventionGenetics, part of Exact Sciences
Classification: Likely benign for IMPDH1-related condition. Last evaluated: 2025-02-27. Review status: criteria provided, single submitter. Criteria: ACMG Guidelines, 2015. Collection method: clinical testing. Allele origin: germline.
Comment: This variant is classified as likely benign based on ACMG/AMP sequence variant interpretation guidelines (Richards et al. 2015 PMID: 25741868, with internal and published modifications).

Blueprint Genetics
Classification: Likely benign. Last evaluated: 2023-12-07. Review status: criteria provided, single submitter. Criteria: ACMG Guidelines, 2015. Collection method: clinical testing. Allele origin: germline.

Department of Pathology and Laboratory Medicine, Sinai Health System
Classification: Uncertain significance for Retinitis pigmentosa 10; Leber congenital amaurosis 11. Last evaluated: 2021-12-02. Review status: criteria provided, single submitter. Criteria: ACMG Guidelines, 2015. Collection method: research. Allele origin: germline.

Breakthrough Genomics
Classification: Likely benign. Review status: criteria provided, single submitter. Criteria: ACMG Guidelines, 2015. Collection method: not provided. Allele origin: germline. Inheritance: Autosomal dominant inheritance. Affected: yes.